The following is an entry in ClinVar:

NM_000535.7(PMS2):c.706-547A>G

Gene: PMS2 (PMS1 homolog 2, mismatch repair system component; minus strand). Cytogenetic location: 7p22.1.
Variant type: single nucleotide variant.
Coding change: c.706-547A>G on transcript NM_000535.7 (MANE Select); 547 bases into the intron before coding-DNA position 706, A replaced by G.
Molecular consequence: intron variant.
Genome position (GRCh38, 1-based): chr7:5,997,970, T>C on the plus strand (A>G on the coding strand, the complement: PMS2 is on the minus strand). VCF-style: chr7-5997970-T-C. GRCh37 (hg19) VCF-style: chr7-6037601-T-C.
Other names: c.301-547A>G (NM_001406893.1, NM_001406898.1, NM_001406897.1 and 19 more transcripts); c.397-547A>G (NM_001406882.1, NM_001406875.1, NM_001406877.1 and 6 more transcripts); c.388-547A>G (NM_001322008.2, NM_001406902.1, NM_001406883.1 and 4 more transcripts); c.132+4483A>G (NM_001406911.1); c.193-547A>G (NM_001406904.1, NM_001406905.1); c.133-547A>G (NM_001322013.2, NM_001406909.1); c.-228-547A>G (NM_001322012.2, NM_001322011.2); c.370-547A>G (NM_001406885.1); and 7 more.
Identifiers: ClinVar variation 3215869 (VCV003215869.1), dbSNP rs2536256293, ClinGen allele CA2515514879.

ClinVar aggregate classification (germline): Uncertain significance (1 of 4 stars; one submission).

Conditions:
Hereditary cancer-predisposing syndrome. Also called: Tumor predisposition; Hereditary neoplastic syndrome; Hereditary Cancer Syndrome; Neoplastic Syndromes, Hereditary. Identifiers: Orphanet 140162, MedGen C0027672, MeSH D009386, MONDO:0015356.

Submission:

Ambry Genetics
Classification: Uncertain significance for Hereditary cancer-predisposing syndrome. Last evaluated: 2021-05-17. Review status: criteria provided, single submitter. Criteria: Ambry Variant Classification Scheme 2023. Collection method: clinical testing. Allele origin: germline.
Comment: The c.706-547A>G intronic alteration consists of a A to G substitution 547 nucleotides before coding exon 7 in the PMS2 gene. Based on insufficient or conflicting evidence, the clinical significance of this alteration remains unclear.